The following is an entry in ClinVar:

ClinVar aggregate classification (germline): Uncertain significance (1 of 4 stars; one submission).

Conditions:
Pregnancy loss, recurrent, susceptibility to, 3 (RPRGL3). Identifiers: MedGen C3280674, MONDO:0013729, OMIM 614391.

Allele frequency attached by ClinVar (database versions not stated): gnomAD exomes below 0.00001.

Submission:

Neuberg Centre For Genomic Medicine, NCGM
Classification: Uncertain significance for Pregnancy loss, recurrent, susceptibility to, 3. Review status: criteria provided, single submitter. Criteria: ACMG Guidelines, 2015. Collection method: clinical testing. Allele origin: germline. Inheritance: Autosomal dominant inheritance. Affected: yes.
Comment: The missense c.652G>C p.Gly218Arg variant in ANXA5 gene has not been reported previously as a pathogenic variant nor as a benign variant, to our knowledge. The p.Gly218Arg variant is reported with an allele frequency of 0.0004% in the gnomAD exomes database and is novel not in any individuals in 1000 Genomes database. This variant has not been reported to the ClinVar database. The amino acid change p.Gly218Arg in ANXA5 is predicted as conserved by GERP++ and PhyloP across 100 vertebrates. The amino acid Gly at position 218 is changed to a Arg changing protein sequence and it might alter its composition and physico-chemical properties. For these reasons, this variant has been classified as a Variant of Uncertain Significance VUS.

NM_001154.4(ANXA5):c.652G>C (p.Gly218Arg)

Gene: ANXA5 (annexin A5; minus strand). Cytogenetic location: 4q27.
Variant type: single nucleotide variant.
Coding change: c.652G>C on transcript NM_001154.4 (MANE Select); coding-DNA position 652, G replaced by C.
Protein change: p.Gly218Arg; replaces glycine 218 with arginine.
Molecular consequence: missense variant.
Genome position (GRCh38, 1-based): chr4:121,671,616, C>G on the plus strand (G>C on the coding strand, the complement: ANXA5 is on the minus strand). VCF-style: chr4-121671616-C-G. GRCh37 (hg19) VCF-style: chr4-122592771-C-G.
Other names: short protein forms G218R.
Identifiers: ClinVar variation 3235034 (VCV003235034.1), dbSNP rs1408129429, ClinGen allele CA358032180.